The following is an entry in ClinVar:

ClinVar aggregate classification (germline): Benign. Review status: criteria provided, multiple submitters, no conflicts (2 of 4 stars). 3 submissions from 3 submitters: Benign (3). Last evaluated 2024-07-15.

Allele frequency attached by ClinVar (database versions not stated): gnomAD exomes 0.17634; 1000 Genomes Project 0.18890; TOPMed 0.19556; 1000 Genomes Project 30x 0.19566; gnomAD 0.20195 and 0.20457.
gnomAD v4.1: 225,121 of 1,257,220 alleles (18%); highest among the groups gnomAD compares: African/African-American, 27%; 21,122 homozygotes.

Submissions (3):

Unidad de Genómica Garrahan, Hospital de Pediatría Garrahan
Classification: Benign. Last evaluated: 2024-07-15. Review status: criteria provided, single submitter. Criteria: ACMG Guidelines, 2015. Collection method: clinical testing. Allele origin: germline. Affected: no. Observed: 22 variant alleles.
Comment: This variant is classified as Benign based on local population frequency. This variant was detected in 24% of patients studied in a panel designed for Epileptic and Developmental Encephalopathy and Progressive Myoclonus Epilepsy. Number of patients: 22. Only high quality variants are reported.

GeneDx
Classification: Benign. Last evaluated: 2018-06-19. Review status: criteria provided, single submitter. Criteria: GeneDx Variant Classification (06012015). Collection method: clinical testing. Allele origin: germline. Affected: yes.
Comment: This variant is considered likely benign or benign based on one or more of the following criteria: it is a conservative change, it occurs at a poorly conserved position in the protein, it is predicted to be benign by multiple in silico algorithms, and/or has population frequency not consistent with disease.

Breakthrough Genomics
Classification: Benign. Review status: criteria provided, single submitter. Criteria: ACMG Guidelines, 2015. Collection method: not provided. Allele origin: germline. Inheritance: Autosomal dominant inheritance. Affected: yes.

NM_020822.3(KCNT1):c.2243+56G>A

Gene: KCNT1 (potassium sodium-activated channel subfamily T member 1; plus strand). Cytogenetic location: 9q34.3.
Variant type: single nucleotide variant.
Coding change: c.2243+56G>A on transcript NM_020822.3 (MANE Select); 56 bases into the intron after coding-DNA position 2243, G replaced by A.
Molecular consequence: intron variant.
Genome position (GRCh38, 1-based): chr9:135,773,005, G>A. VCF-style: chr9-135773005-G-A. GRCh37 (hg19) VCF-style: chr9-138664851-G-A.
Other names: c.2108+56G>A (NM_001272003.2).
Identifiers: ClinVar variation 682136 (VCV000682136.4), dbSNP rs36100410, ClinGen allele CA13060518.